The following is an entry in ClinVar:

ClinVar aggregate classification (germline): Uncertain significance (1 of 4 stars; one submission).

Conditions:
Perlman syndrome (PRLMNS). Identifiers: Orphanet 2849, MedGen C0796113, MONDO:0009965, OMIM 267000.

Allele frequency attached by ClinVar (database versions not stated): TOPMed 0.00006; gnomAD 0.00009.
gnomAD v4.1: 26 of 1,613,812 alleles (0.0016%); highest among the groups gnomAD compares: African/African-American, 0.027%; no homozygotes.

Submission:

Labcorp Genetics (formerly Invitae), Labcorp
Classification: Uncertain significance for Perlman syndrome. Last evaluated: 2025-05-26. Review status: criteria provided, single submitter. Criteria: Invitae Variant Classification Sherloc (09022015). Collection method: clinical testing. Allele origin: germline.
Comment: This sequence change replaces aspartic acid, which is acidic and polar, with histidine, which is basic and polar, at codon 58 of the DIS3L2 protein (p.Asp58His). This variant is present in population databases (no rsID available, gnomAD 0.02%). This variant has not been reported in the literature in individuals affected with DIS3L2-related conditions. ClinVar contains an entry for this variant (Variation ID: 531920). An algorithm developed to predict the effect of missense changes on protein structure and function (PolyPhen-2) suggests that this variant is likely to be disruptive. RNA analysis performed to evaluate the impact of this missense change on mRNA splicing indicates it does not significantly alter splicing (internal data). In summary, the available evidence is currently insufficient to determine the role of this variant in disease. Therefore, it has been classified as a Variant of Uncertain Significance.

NM_152383.5(DIS3L2):c.172G>C (p.Asp58His)

Gene: DIS3L2 (DIS3 like 3'-5' exoribonuclease 2; plus strand). Cytogenetic location: 2q37.1.
Variant type: single nucleotide variant.
Coding change: c.172G>C on transcript NM_152383.5 (MANE Select); coding-DNA position 172, G replaced by C.
Protein change: p.Asp58His; replaces aspartic acid 58 with histidine.
Molecular consequence: missense variant. On other transcripts: non-coding transcript variant (2).
Genome position (GRCh38, 1-based): chr2:232,015,633, G>C. VCF-style: chr2-232015633-G-C. GRCh37 (hg19) VCF-style: chr2-232880343-G-C.
Other names: c.172G>C, p.Asp58His (NM_001257281.2, NM_001257282.2); short protein forms D58H.
Identifiers: ClinVar variation 531920 (VCV000531920.8), dbSNP rs1000963300, ClinGen allele CA67499254.